The following is an entry in ClinVar:

NM_000292.3(PHKA2):c.1635C>G (p.Ile545Met)

Gene: PHKA2 (phosphorylase kinase regulatory subunit alpha 2; minus strand). Cytogenetic location: Xp22.13.
Variant type: single nucleotide variant.
Coding change: c.1635C>G on transcript NM_000292.3 (MANE Select); coding-DNA position 1635, C replaced by G.
Protein change: p.Ile545Met; replaces isoleucine 545 with methionine.
Molecular consequence: missense variant.
Genome position (GRCh38, 1-based): chrX:18,924,460, G>C on the plus strand (C>G on the coding strand, the complement: PHKA2 is on the minus strand). VCF-style: chrX-18924460-G-C. GRCh37 (hg19) VCF-style: chrX-18942578-G-C.
Other names: short protein forms I545M.
Identifiers: ClinVar variation 385668 (VCV000385668.10), dbSNP rs148176463, ClinGen allele CA10361833.
Genomic context (GRCh38, chrX:18,924,460, plus strand): 5'-GGGGAAGGTGAGTGTGGGTCTGCCCGTCATCCTCCAGCAGGTGCACAGGTAGGCCAGCTC[G>C]ATCCTTAGCATCTCCACGATCATCTCATTGTCGAGGGCCAGGTAGAAGTGATGCTGGTCG-3'
Protein context (NP_000283.1, residues 535-555): DNEMIVEMLR[Ile545Met]ELAYLCTCWR

ClinVar aggregate classification (germline): Benign/Likely benign. Review status: criteria provided, multiple submitters, no conflicts (2 of 4 stars). 3 submissions from 3 submitters: Benign (1); Likely benign (2). Last evaluated 2025-11-30.

Conditions:
Glycogen storage disease IXa1. Also called: LIVER GLYCOGENOSIS, X-LINKED, TYPE I; GLYCOGEN STORAGE DISEASE VIII; GSD VIII; Glycogen storage disease 8. Identifiers: Orphanet 264580, MedGen C3694531, MONDO:0010598, OMIM 306000.

Allele frequency attached by ClinVar (database versions not stated): TOPMed 0.00019; ESP Exome Variant Server 0.00038; gnomAD 0.00075; 1000 Genomes Project 0.00079; 1000 Genomes Project 30x 0.00104.
gnomAD v4.1: 1,075 of 1,207,219 alleles (0.089%); highest among the groups gnomAD compares: Non-Finnish European, 0.063%; 9 homozygotes.

Submissions (3):

Labcorp Genetics (formerly Invitae), Labcorp
Classification: Benign for Glycogen storage disease IXa1. Last evaluated: 2025-11-30. Review status: criteria provided, single submitter. Criteria: Invitae Variant Classification Sherloc (09022015). Collection method: clinical testing. Allele origin: germline.

Blueprint Genetics
Classification: Likely benign. Last evaluated: 2024-10-01. Review status: criteria provided, single submitter. Criteria: ACMG Guidelines, 2015. Collection method: clinical testing. Allele origin: germline.

GeneDx
Classification: Likely benign. Last evaluated: 2016-05-16. Review status: criteria provided, single submitter. Criteria: GeneDx Variant Classification (06012015). Collection method: clinical testing. Allele origin: germline. Affected: yes.
Comment: This variant is considered likely benign or benign based on one or more of the following criteria: it is a conservative change, it occurs at a poorly conserved position in the protein, it is predicted to be benign by multiple in silico algorithms, and/or has population frequency not consistent with disease.